The following is an entry in ClinVar:

NM_001131016.2(CIZ1):c.1394C>T (p.Pro465Leu)

Gene: CIZ1 (CDKN1A interacting zinc finger protein 1; minus strand). Cytogenetic location: 9q34.11.
Variant type: single nucleotide variant.
Coding change: c.1394C>T on transcript NM_001131016.2 (MANE Select); coding-DNA position 1394, C replaced by T.
Protein change: p.Pro465Leu; replaces proline 465 with leucine.
Molecular consequence: missense variant.
Genome position (GRCh38, 1-based): chr9:128,178,813, G>A on the plus strand (C>T on the coding strand, the complement: CIZ1 is on the minus strand). VCF-style: chr9-128178813-G-A. GRCh37 (hg19) VCF-style: chr9-130941092-G-A.
Other names: c.1226C>T, p.Pro409Leu (NM_001131015.2); c.1211C>T, p.Pro404Leu (NM_001131017.2); c.1154C>T, p.Pro385Leu (NM_001131018.2); c.1484C>T, p.Pro495Leu (NM_001257975.2); c.1091C>T, p.Pro364Leu (NM_001257976.2); c.1394C>T, p.Pro465Leu (NM_012127.3); short protein forms P364L, P385L, P404L, P409L, P465L, P495L.
Identifiers: ClinVar variation 1059050 (VCV001059050.7), dbSNP rs138297392, ClinGen allele CA5257318.

ClinVar aggregate classification (germline): Uncertain significance (1 of 4 stars; one submission).

Conditions:
Dystonic disorder. Also called: Dystonia. Identifiers: MedGen C0013421, MONDO:0003441, HP:0001332.

Allele frequency attached by ClinVar (database versions not stated): gnomAD exomes 0.00001 and 0.00002; ExAC 0.00002; gnomAD 0.00010 and 0.00011; ESP Exome Variant Server 0.00015; TOPMed 0.00021.
gnomAD v4.1: 35 of 1,614,054 alleles (0.0022%); highest among the groups gnomAD compares: African/African-American, 0.028%; no homozygotes.

Submission:

Labcorp Genetics (formerly Invitae), Labcorp
Classification: Uncertain significance for Dystonic disorder. Last evaluated: 2023-05-25. Review status: criteria provided, single submitter. Criteria: Invitae Variant Classification Sherloc (09022015). Collection method: clinical testing. Allele origin: germline.
Comment: In summary, the available evidence is currently insufficient to determine the role of this variant in disease. Therefore, it has been classified as a Variant of Uncertain Significance. Algorithms developed to predict the effect of missense changes on protein structure and function output the following: SIFT: "Not Available"; PolyPhen-2: "Possibly Damaging"; Align-GVGD: "Not Available". The leucine amino acid residue is found in multiple mammalian species, which suggests that this missense change does not adversely affect protein function. ClinVar contains an entry for this variant (Variation ID: 1059050). This missense change has been observed in individual(s) with CIZ1-related conditions (Invitae). This variant is present in population databases (rs138297392, gnomAD 0.008%). This sequence change replaces proline, which is neutral and non-polar, with leucine, which is neutral and non-polar, at codon 465 of the CIZ1 protein (p.Pro465Leu).